The following is an entry in ClinVar:

NM_005585.5(SMAD6):c.1450T>C (p.Cys484Arg)

Gene: SMAD6 (SMAD family member 6; plus strand). Cytogenetic location: 15q22.31.
Variant type: single nucleotide variant.
Coding change: c.1450T>C on transcript NM_005585.5 (MANE Select); coding-DNA position 1450, T replaced by C.
Protein change: p.Cys484Arg; replaces cysteine 484 with arginine.
Molecular consequence: missense variant. On other transcripts: non-coding transcript variant (1).
Genome position (GRCh38, 1-based): chr15:66,781,494, T>C. VCF-style: chr15-66781494-T-C. GRCh37 (hg19) VCF-style: chr15-67073832-T-C.
Other names: short protein forms C484R.
Identifiers: ClinVar variation 1521970 (VCV001521970.6), dbSNP rs1894575710, ClinGen allele CA393202563.

ClinVar aggregate classification (germline): Uncertain significance (1 of 4 stars; one submission).

Conditions:
Aortic valve disease 2 (AOVD2). Identifiers: MedGen C3542024, MONDO:0013902, OMIM 614823.

Submission:

Labcorp Genetics (formerly Invitae), Labcorp
Classification: Uncertain significance for Aortic valve disease 2. Last evaluated: 2021-07-30. Review status: criteria provided, single submitter. Criteria: Invitae Variant Classification Sherloc (09022015). Collection method: clinical testing. Allele origin: germline.
Comment: This variant has not been reported in the literature in individuals affected with SMAD6-related conditions. Algorithms developed to predict the effect of missense changes on protein structure and function (SIFT, PolyPhen-2, Align-GVGD) all suggest that this variant is likely to be disruptive. In summary, the available evidence is currently insufficient to determine the role of this variant in disease. Therefore, it has been classified as a Variant of Uncertain Significance. This variant is not present in population databases (ExAC no frequency). This sequence change replaces cysteine with arginine at codon 484 of the SMAD6 protein (p.Cys484Arg). The cysteine residue is highly conserved and there is a large physicochemical difference between cysteine and arginine.